The following is an entry in ClinVar:

ClinVar aggregate classification (germline): Pathogenic (1 of 4 stars; one submission).

gnomAD v4.1: 1 of 1,614,156 alleles (0.000062%); highest among the groups gnomAD compares: Non-Finnish European, 0.000085%; no homozygotes.

Submission:

Labcorp Genetics (formerly Invitae), Labcorp
Classification: Pathogenic. Last evaluated: 2022-02-05. Review status: criteria provided, single submitter. Criteria: Invitae Variant Classification Sherloc (09022015). Collection method: clinical testing. Allele origin: germline.
Comment: For these reasons, this variant has been classified as Pathogenic. This variant has not been reported in the literature in individuals affected with RUSC2-related conditions. This variant is not present in population databases (gnomAD no frequency). This sequence change creates a premature translational stop signal (p.Arg1264*) in the RUSC2 gene. It is expected to result in an absent or disrupted protein product. Loss-of-function variants in RUSC2 are known to be pathogenic (PMID: 27612186).

Literature cited by the submitters: PubMed 27612186.

NM_014806.5(RUSC2):c.3790C>T (p.Arg1264Ter)

Gene: RUSC2 (RUN and SH3 domain containing 2; plus strand). Cytogenetic location: 9p13.3.
Variant type: single nucleotide variant.
Coding change: c.3790C>T on transcript NM_014806.5 (MANE Select); coding-DNA position 3790, C replaced by T.
Protein change: p.Arg1264Ter; replaces arginine 1264 with a stop codon.
Molecular consequence: nonsense. On other transcripts: non-coding transcript variant (1).
Genome position (GRCh38, 1-based): chr9:35,560,430, C>T. VCF-style: chr9-35560430-C-T. GRCh37 (hg19) VCF-style: chr9-35560427-C-T.
Other names: c.3790C>T, p.Arg1264Ter (NM_001135999.2); c.1156C>T, p.Arg386Ter (NM_001330740.2); short protein forms R1264*, R386*.
Identifiers: ClinVar variation 1390622 (VCV001390622.6), dbSNP rs2131706815, ClinGen allele CA373354876.